The following is an entry in ClinVar:

NM_004360.5(CDH1):c.2440-16G>A

Gene: CDH1 (cadherin 1; plus strand). Cytogenetic location: 16q22.1.
Variant type: single nucleotide variant.
Coding change: c.2440-16G>A on transcript NM_004360.5 (MANE Select); 16 bases into the intron before coding-DNA position 2440, G replaced by A.
Molecular consequence: intron variant.
Genome position (GRCh38, 1-based): chr16:68,833,274, G>A. VCF-style: chr16-68833274-G-A. GRCh37 (hg19) VCF-style: chr16-68867177-G-A.
Other names: c.892-16G>A (NM_001317185.2); c.475-16G>A (NM_001317186.2); c.2257-16G>A (NM_001317184.2).
Identifiers: ClinVar variation 926907 (VCV000926907.11), dbSNP rs745826347, ClinGen allele CA1139664746.

ClinVar aggregate classification (germline): Likely benign. Review status: criteria provided, multiple submitters, no conflicts (2 of 4 stars). 3 submissions from 3 submitters: Likely benign (3). Last evaluated 2026-01-12.

Conditions:
Hereditary cancer-predisposing syndrome. Also called: Tumor predisposition; Hereditary neoplastic syndrome; Neoplastic Syndromes, Hereditary; Hereditary Cancer Syndrome. Identifiers: Orphanet 140162, MedGen C0027672, MeSH D009386, MONDO:0015356.
Hereditary diffuse gastric adenocarcinoma (HDGC). Also called: DIFFUSE GASTRIC AND LOBULAR BREAST CANCER SYNDROME. Identifiers: Orphanet 26106, MedGen C1708349, MONDO:0007648, OMIM 137215.

gnomAD v4.1: 2 of 1,610,568 alleles (0.00012%); highest among the groups gnomAD compares: Non-Finnish European, 0.00017%; no homozygotes.

Submissions (3):

Labcorp Genetics (formerly Invitae), Labcorp
Classification: Likely benign for Hereditary diffuse gastric adenocarcinoma. Last evaluated: 2026-01-12. Review status: criteria provided, single submitter. Criteria: Invitae Variant Classification Sherloc (09022015). Collection method: clinical testing. Allele origin: germline.

Myriad Genetics, Inc.
Classification: Likely benign for Hereditary diffuse gastric adenocarcinoma. Last evaluated: 2024-09-23. Review status: criteria provided, single submitter. Criteria: Myriad Autosomal Dominant, Autosomal Recessive and X-Linked Classification Criteria (2023). Collection method: clinical testing. Allele origin: unknown.
Comment: This variant is considered likely benign. This variant is intronic and is not expected to impact mRNA splicing.

Color Diagnostics, LLC DBA Color Health
Classification: Likely benign for Hereditary cancer-predisposing syndrome. Last evaluated: 2019-06-25. Review status: criteria provided, single submitter. Criteria: ACMG Guidelines, 2015. Collection method: clinical testing. Allele origin: germline.